The following is an entry in ClinVar:

NM_000287.4(PEX6):c.1130+2T>C

Gene: PEX6 (peroxisomal biogenesis factor 6; minus strand). Cytogenetic location: 6p21.1.
Variant type: single nucleotide variant.
Coding change: c.1130+2T>C on transcript NM_000287.4 (MANE Select); the canonical splice donor site of the intron after coding-DNA position 1130, T replaced by C.
Molecular consequence: splice donor variant.
Genome position (GRCh38, 1-based): chr6:42,974,001, A>G on the plus strand (T>C on the coding strand, the complement: PEX6 is on the minus strand). VCF-style: chr6-42974001-A-G. GRCh37 (hg19) VCF-style: chr6-42941739-A-G.
Other names: c.866+2T>C (NM_001316313.2).
Identifiers: ClinVar variation 551451 (VCV000551451.8), dbSNP rs1416001981, ClinGen allele CA364157934.
Genomic context (GRCh38, chr6:42,974,001, plus strand): 5'-ATTGTAGAACTCATGCACCCAGGTTACAAATCCCAGCTGTAGGACAGAAGGCAGCTGCAT[A>G]CCTGGGCAGTTTCTCTGGACTTCCTTCCAGGATCTCTACTTGCCCAATTGTTGGCACACA-3'

ClinVar aggregate classification (germline): Conflicting classifications of pathogenicity. Review status: criteria provided, conflicting classifications (1 of 4 stars). 3 submissions from 3 submitters: Likely pathogenic (1); Uncertain significance (1). 1 of the submissions does not count toward it. Last evaluated 2025-10-14.

Conditions:
Zellweger spectrum disorders (ZS). Also called: Zellweger Spectrum Disorder; Zellweger Spectrum; Zellweger Spectrum Disorder (ZSD); Zellweger syndrome. Identifiers: Orphanet 912, MedGen C0043459, MONDO:0019609.
Peroxisome biogenesis disorder. Identifiers: Orphanet 79189, MedGen C1832200, MONDO:0019234. Disease mechanism: loss of function.
Peroxisome biogenesis disorder 4A (Zellweger) (PBD4A). Also called: Zellweger syndrome spectrum (PEX6-related). Identifiers: Orphanet 912, MedGen C3553936, MONDO:0013930, OMIM 614862. Disease mechanism: loss of function.
Peroxisome biogenesis disorder 4B (PBD4B). Also called: SPINOCEREBELLAR ATAXIA WITH BLINDNESS AND DEAFNESS 1. Identifiers: Orphanet 44, Orphanet 95433, MedGen C3553937, MONDO:0013931, OMIM 614863.

Allele frequency attached by ClinVar (database versions not stated): gnomAD exomes below 0.00001; TOPMed below 0.00001; gnomAD 0.00001.
gnomAD v4.1: 23 of 1,610,038 alleles (0.0014%); highest among the groups gnomAD compares: Non-Finnish European, 0.0019%; no homozygotes.

Submissions (3):

Natera, Inc.
Classification: Likely pathogenic for Zellweger syndrome. Last evaluated: 2025-10-14. Review status: criteria provided, single submitter. Criteria: Natera Variant Classification Schema (03/2026). Collection method: clinical testing. Allele origin: germline.
Comment: The c.1130+2T>C variant in PEX6 is a canonical splice donor site variant predicted to affect pre-mRNA splicing, which may result in an abnormal transcript and altered protein product. This variant may result in a truncated or dysfunctional protein product. This variant is rare in the general population with a frequency below the threshold expected for the associated phenotype(s). Another variant at this same site results in an alteration predicted to cause a similar molecular effect has been observed in individual(s) with the associated phenotype. Given the available evidence, this variant is classified as Likely Pathogenic.

Labcorp Genetics (formerly Invitae), Labcorp
Classification: Uncertain significance for Peroxisome biogenesis disorder. Last evaluated: 2021-09-15. Review status: criteria provided, single submitter. Criteria: Invitae Variant Classification Sherloc (09022015). Collection method: clinical testing. Allele origin: germline.
Comment: This sequence change affects a donor splice site in intron 3 of the PEX6 gene. RNA analysis indicates that disruption of this splice site induces altered splicing and likely results in a shortened protein product. This variant is not present in population databases (ExAC no frequency). Disruption of this splice site has been observed in individual(s) with clinical features of PEX6-related conditions (PMID: 8940266, 31884617). ClinVar contains an entry for this variant (Variation ID: 551451). Studies have shown that disruption of this splice site results in skipping of exon 3, but is expected to preserve the integrity of the reading-frame (PMID: 8940266). In summary, the available evidence is currently insufficient to determine the role of this variant in disease. Therefore, it has been classified as a Variant of Uncertain Significance.

Counsyl
Classification: Likely pathogenic for Peroxisome biogenesis disorder 4A (Zellweger); Peroxisome biogenesis disorder 4B. Last evaluated: 2017-04-11. Review status: no assertion criteria provided. Collection method: clinical testing. Allele origin: unknown. Not counted in ClinVar's aggregate classification.

Literature cited by the submitters: PubMed 8940266 (cited by Labcorp Genetics (formerly Invitae), Labcorp); PubMed 31884617 (cited by Labcorp Genetics (formerly Invitae), Labcorp).